The following is an entry in ClinVar:

ClinVar aggregate classification (germline): Likely pathogenic (1 of 4 stars; one submission).

Conditions:
CHRNA1-related disorder. Also called: CHRNA1-related condition.

Submission:

PreventionGenetics, part of Exact Sciences
Classification: Likely pathogenic for CHRNA1-related condition. Last evaluated: 2025-11-24. Review status: criteria provided, single submitter. Criteria: ACMG Guidelines, 2015. Collection method: clinical testing. Allele origin: germline.
Comment: The CHRNA1 c.831_832delAT variant is predicted to result in a frameshift and premature protein termination (p.Phe278Leufs*114). To our knowledge, this variant has not been reported in the literature or in a large population database (gnomAD), indicating this variant is rare. Frameshift variants in CHRNA1 are expected to be pathogenic. This variant is interpreted as likely pathogenic.

NM_000079.4(CHRNA1):c.756_757del (p.Phe253fs)

Gene: CHRNA1 (cholinergic receptor nicotinic alpha 1 subunit; minus strand). Cytogenetic location: 2q31.1.
Variant type: Deletion.
Coding change: c.756_757del on transcript NM_000079.4 (MANE Select); coding-DNA positions 756 to 757, 2 bases deleted (AT; older notation c.756_757delAT).
Protein change: p.Phe253fs; shifts the reading frame from phenylalanine 253.
Molecular consequence: frameshift variant.
Genome position (GRCh38, 1-based): chr2:174,753,524-174,753,525, AT deleted on the plus strand (AT on the coding strand, the reverse complement: CHRNA1 is on the minus strand); deleting any 2 consecutive bases within chr2:174,753,524-174,753,526 gives the same sequence; the c. name uses the placement nearest the transcript's 3' end. VCF-style (leftmost placement, unchanged base first): chr2-174753523-AAT-A. GRCh37 (hg19) VCF-style: chr2-175618251-AAT-A.
Other names: c.831_832del, p.Phe278fs (NM_001039523.3); short protein forms F253fs, F278fs.
Identifiers: ClinVar variation 4993395 (VCV004993395.1).